The following is an entry in ClinVar:

NM_001754.5(RUNX1):c.996C>T (p.Asp332=)

Gene: RUNX1 (RUNX family transcription factor 1; minus strand). Cytogenetic location: 21q22.12.
Variant type: single nucleotide variant.
Coding change: c.996C>T on transcript NM_001754.5 (MANE Select); coding-DNA position 996, C replaced by T.
Protein change: p.Asp332=; no amino-acid change (aspartic acid 332 retained).
Molecular consequence: synonymous variant.
Genome position (GRCh38, 1-based): chr21:34,792,582, G>A on the plus strand (C>T on the coding strand, the complement: RUNX1 is on the minus strand). VCF-style: chr21-34792582-G-A. GRCh37 (hg19) VCF-style: chr21-36164879-G-A.
Other names: NM_001754.5(RUNX1):c.996C>T; p.Asp332=; c.915C>T, p.Asp305= (NM_001001890.3); c.996C>T (NM_001754.4).
Identifiers: ClinVar variation 1546102 (VCV001546102.12), dbSNP rs1170458993, ClinGen allele CA512341386.

ClinVar aggregate classification (germline): Likely benign. Review status: reviewed by expert panel (3 of 4 stars). 3 submissions from 3 submitters: Likely benign (1). 2 of the submissions do not count toward it. Last evaluated 2026-04-29.

Conditions:
Hereditary thrombocytopenia and hematologic cancer predisposition syndrome. Identifiers: Orphanet 71290, MedGen CN281654, MONDO:0011071.
Inborn genetic diseases. Identifiers: MedGen C0950123, MeSH D030342.
Hereditary thrombocytopenia and hematological cancer predisposition syndrome associated with RUNX1. Also called: RUNX1 Familial Platelet Disorder with Associated Myeloid Malignancies; Familial Platelet Disorder with Propensity to Acute Myelogenous Leukemia; Familial thrombocytopenia with propensity to acute myelogenous leukemia; PLATELET DISORDER, ASPIRIN-LIKE. Identifiers: Orphanet 71290, MedGen C1832388, MeSH C563324, MONDO:0100083, OMIM 601399.

Submissions (3):

ClinGen Myeloid Malignancy Variant Curation Expert Panel
Classification: Likely benign for Hereditary thrombocytopenia and hematologic cancer predisposition syndrome. Last evaluated: 2026-04-29. Review status: reviewed by expert panel. Criteria: ClinGen MyeloMalig ACMG Specifications V3.1. Collection method: curation. Allele origin: germline. Inheritance: Autosomal dominant inheritance.
Comment: NM_001754.5(RUNX1):c.996C>T (p.Asp332=) is a synonymous variant which has a SpliceAI score ≤ 0.20 (0.0). This variant is completely absent from all population databases with at least 20x coverage for RUNX1 (PM2_supporting). In summary, this variant meets criteria to be classified as likely benign. ACMG/AMP criteria applied, as specified by the Myeloid Malignancy Variant Curation Expert Panel for RUNX1: BP4, BP7, PM2_supporting.

Ambry Genetics
Classification: Likely benign for Inborn genetic diseases. Last evaluated: 2025-11-15. Review status: criteria provided, single submitter. Criteria: Ambry Variant Classification Scheme 2023. Collection method: clinical testing. Allele origin: germline. Not counted in ClinVar's aggregate classification.

Labcorp Genetics (formerly Invitae), Labcorp
Classification: Likely benign for Hereditary thrombocytopenia and hematological cancer predisposition syndrome associated with RUNX1. Last evaluated: 2023-06-15. Review status: criteria provided, single submitter. Criteria: Invitae Variant Classification Sherloc (09022015). Collection method: clinical testing. Allele origin: germline. Not counted in ClinVar's aggregate classification.